The following is an entry in ClinVar:

ClinVar aggregate classification (germline): Uncertain significance. Review status: criteria provided, multiple submitters, no conflicts (2 of 4 stars). 3 submissions from 3 submitters: Uncertain significance (2). 1 of the submissions does not count toward it. Last evaluated 2019-12-12.

Conditions:
Neuronal ceroid lipofuscinosis. Also called: Neuronal Ceroid Lipofuscinoses. Identifiers: Orphanet 216, Orphanet 79263, MedGen C0027877, MONDO:0016295. Disease mechanism: loss of function.
Neuronal ceroid lipofuscinosis 8 (CLN8). Also called: CLN8-Related Neuronal Ceroid-Lipofuscinosis. Identifiers: Orphanet 168491, Orphanet 228354, Orphanet 79264, MedGen C1838570, MONDO:0010830, OMIM 600143.

Submissions (3):

Blueprint Genetics
Classification: Uncertain significance. Last evaluated: 2019-12-12. Review status: criteria provided, single submitter. Criteria: ACMG Guidelines, 2015. Collection method: clinical testing. Allele origin: germline.

Labcorp Genetics (formerly Invitae), Labcorp
Classification: Uncertain significance for Neuronal ceroid lipofuscinosis. Last evaluated: 2019-06-26. Review status: criteria provided, single submitter. Criteria: Invitae Variant Classification Sherloc (09022015). Collection method: clinical testing. Allele origin: germline.
Comment: This variant is not present in population databases (ExAC no frequency) and has not been reported in the literature in individuals with a CLN8-related disease. In summary, this variant is a novel missense change that is not predicted to affect protein function. There is no indication that it causes disease, but the available evidence is currently insufficient to prove that conclusively. Therefore, it has been classified as a Variant of Uncertain Significance. Algorithms developed to predict the effect of missense changes on protein structure and function (SIFT, PolyPhen-2, Align-GVGD) all suggest that this variant is likely to be tolerated, but these predictions have not been confirmed by published functional studies. This sequence change replaces leucine with valine at codon 241 of the CLN8 protein (p.Leu241Val). The leucine residue is highly conserved and there is a small physicochemical difference between leucine and valine.

Natera, Inc.
Classification: Uncertain significance for Neuronal ceroid lipofuscinosis 8. Last evaluated: 2020-10-08. Review status: no assertion criteria provided. Collection method: clinical testing. Allele origin: germline. Not counted in ClinVar's aggregate classification.

NM_018941.4(CLN8):c.721C>G (p.Leu241Val)

Gene: CLN8 (CLN8 transmembrane ER and ERGIC protein; plus strand). Cytogenetic location: 8p23.3.
Variant type: single nucleotide variant.
Coding change: c.721C>G on transcript NM_018941.4 (MANE Select); coding-DNA position 721, C replaced by G.
Protein change: p.Leu241Val; replaces leucine 241 with valine.
Molecular consequence: missense variant.
Genome position (GRCh38, 1-based): chr8:1,780,427, C>G. VCF-style: chr8-1780427-C-G. GRCh37 (hg19) VCF-style: chr8-1728593-C-G.
Other names: short protein forms L241V.
Identifiers: ClinVar variation 457980 (VCV000457980.10), dbSNP rs1554451594, ClinGen allele CA369954182.